The following is an entry in ClinVar:

ClinVar aggregate classification (germline): Likely benign (1 of 4 stars; one submission).

Allele frequency attached by ClinVar (database versions not stated): 1000 Genomes Project 0.00120; ESP Exome Variant Server 0.00215.
gnomAD v4.1: 4,053 of 1,613,958 alleles (0.25%); highest among the groups gnomAD compares: Non-Finnish European, 0.32%; 11 homozygotes.

Submission:

CeGaT Center for Human Genetics Tuebingen
Classification: Likely benign. Last evaluated: 2022-03-01. Review status: criteria provided, single submitter. Criteria: CeGaT Center For Human Genetics Tuebingen Variant Classification Criteria Version 2. Collection method: clinical testing. Allele origin: germline. Affected: yes. Observed: 1 variant allele.
Comment: PRP4K: BP4, BP7

NM_003913.5(PRP4K):c.1318C>A (p.Arg440=)

Gene: PRP4K (pre-mRNA processing factor kinase PRP4K; plus strand). Cytogenetic location: 6p25.2.
Variant type: single nucleotide variant.
Coding change: c.1318C>A on transcript NM_003913.5 (MANE Select); coding-DNA position 1318, C replaced by A.
Protein change: p.Arg440=; no amino-acid change (arginine 440 retained).
Molecular consequence: synonymous variant. On other transcripts: non-coding transcript variant (3).
Genome position (GRCh38, 1-based): chr6:4,037,476, C>A. VCF-style: chr6-4037476-C-A. GRCh37 (hg19) VCF-style: chr6-4037710-C-A.
Identifiers: ClinVar variation 2656187 (VCV002656187.24), dbSNP rs142439682, ClinGen allele CA3620898.
Genomic context (GRCh38, chr6:4,037,476, plus strand): 5'-ATCCTCAGTAGACGTGAAAGATCAAAAGATGCCAGCCCCATCAATAGATGGTCTCCAACC[C>A]GAAGAAGAAGTAGATCTCCCATTAGAAGGAGGTCTCGTTCCCCACTCAGACGTAGCAGGT-3'
Protein context (NP_003904.3, residues 430-450): ASPINRWSPT[Arg440=]RRSRSPIRRR